The following is an entry in ClinVar:

NM_002292.4(LAMB2):c.1305C>T (p.Ser435=)

Gene: LAMB2 (laminin subunit beta 2; minus strand). Cytogenetic location: 3p21.31.
Variant type: single nucleotide variant.
Coding change: c.1305C>T on transcript NM_002292.4 (MANE Select); coding-DNA position 1305, C replaced by T.
Protein change: p.Ser435=; no amino-acid change (serine 435 retained).
Molecular consequence: synonymous variant.
Genome position (GRCh38, 1-based): chr3:49,129,939, G>A on the plus strand (C>T on the coding strand, the complement: LAMB2 is on the minus strand). VCF-style: chr3-49129939-G-A. GRCh37 (hg19) VCF-style: chr3-49167372-G-A.
Identifiers: ClinVar variation 704274 (VCV000704274.40), dbSNP rs144530798, ClinGen allele CA2394632.

ClinVar aggregate classification (germline): Conflicting classifications of pathogenicity. Review status: criteria provided, conflicting classifications (1 of 4 stars). 5 submissions from 4 submitters: Uncertain significance (2); Benign (1); Likely benign (2). Last evaluated 2025-12-18.

Conditions:
LAMB2-related infantile-onset nephrotic syndrome. Also called: NEPHROTIC SYNDROME, TYPE 5, WITHOUT OCULAR ABNORMALITIES; NEPHROTIC SYNDROME, TYPE 5, WITH OCULAR ABNORMALITIES; Nephrotic Syndrome, type 5. Identifiers: Orphanet 306507, MedGen C3280113, MONDO:0013621, OMIM 614199.
Pierson syndrome. Also called: MICROCORIA-CONGENITAL NEPHROTIC SYNDROME. Identifiers: Orphanet 2670, MedGen C1836876, MONDO:0012184, OMIM 609049.

Allele frequency attached by ClinVar (database versions not stated): 1000 Genomes Project 30x 0.00016; 1000 Genomes Project 0.00020; gnomAD exomes 0.00030 and 0.00045; ESP Exome Variant Server 0.00031; gnomAD 0.00032 and 0.00034; ExAC 0.00034; TOPMed 0.00045.
gnomAD v4.1: 511 of 1,613,908 alleles (0.032%); highest among the groups gnomAD compares: Admixed American, 0.052%; no homozygotes.

Submissions (5):

Labcorp Genetics (formerly Invitae), Labcorp
Classification: Benign for LAMB2-related infantile-onset nephrotic syndrome; Pierson syndrome. Last evaluated: 2025-12-18. Review status: criteria provided, single submitter. Criteria: Invitae Variant Classification Sherloc (09022015). Collection method: clinical testing. Allele origin: germline.

Blueprint Genetics
Classification: Likely benign. Last evaluated: 2024-11-26. Review status: criteria provided, single submitter. Criteria: ACMG Guidelines, 2015. Collection method: clinical testing. Allele origin: germline.

CeGaT Center for Human Genetics Tuebingen
Classification: Likely benign. Last evaluated: 2022-05-01. Review status: criteria provided, single submitter. Criteria: CeGaT Center For Human Genetics Tuebingen Variant Classification Criteria Version 2. Collection method: clinical testing. Allele origin: germline. Affected: yes. Observed: 1 variant allele.
Comment: LAMB2: BP4, BP7

Illumina Laboratory Services, Illumina
Classification: Uncertain significance for Pierson syndrome. Last evaluated: 2018-01-13. Review status: criteria provided, single submitter. Criteria: ICSL Variant Classification Criteria 13 December 2019. Collection method: clinical testing. Allele origin: germline.

Illumina Laboratory Services, Illumina
Classification: Uncertain significance for LAMB2-related infantile-onset nephrotic syndrome. Last evaluated: 2018-01-13. Review status: criteria provided, single submitter. Criteria: ICSL Variant Classification Criteria 13 December 2019. Collection method: clinical testing. Allele origin: germline.